The following is an entry in ClinVar:

ClinVar aggregate classification (germline): Pathogenic/Likely pathogenic. Review status: criteria provided, multiple submitters, no conflicts (2 of 4 stars). 11 submissions from 11 submitters: Pathogenic (7); Likely pathogenic (2). 2 of the submissions do not count toward it. Last evaluated 2026-04-15.

Conditions:
Autosomal recessive congenital ichthyosis 7 (ARCI7). Identifiers: Orphanet 79394, MedGen C3554348, MONDO:0014009.
TGM1-related disorder. Also called: TGM1-related condition.
Lamellar ichthyosis. Identifiers: Orphanet 313, MedGen C5848247, MONDO:0017778.
Autosomal recessive congenital ichthyosis 1 (LI1). Also called: COLLODION FETUS; DESQUAMATION OF NEWBORN; ICHTHYOSIS, CONGENITAL, AUTOSOMAL RECESSIVE 1, WITH OR WITHOUT BATHING SUIT DISTRIBUTION; ICHTHYOSIS, CONGENITAL, AUTOSOMAL RECESSIVE 1, WITH BATHING SUIT DISTRIBUTION; ICHTHYOSIS CONGENITA; ICHTHYOSIS CONGENITA II. Identifiers: MedGen C4551630, MONDO:0009441, OMIM 242300.
Abnormality of the skin. Identifiers: MedGen C5848159, HP:0000951.

Allele frequency attached by ClinVar (database versions not stated): gnomAD exomes 0.00002 and 0.00003; ExAC 0.00001; gnomAD 0.00004; TOPMed 0.00004.
gnomAD v4.1: 41 of 1,613,956 alleles (0.0025%); highest among the groups gnomAD compares: Middle Eastern, 0.016%; no homozygotes.

Submissions (11):

Keith Choate Laboratory, Yale University
Classification: Pathogenic for Ichthyosis, congenital, autosomal recessive 13. Last evaluated: 2026-04-15. Review status: criteria provided, single submitter. Criteria: ACMG Guidelines, 2015. Collection method: research. Allele origin: inherited. Affected: yes.
Comment: This variant has an allele frequency of 3.18e-5 in gnomAD, indicating it is not a common variant, with a CAAD score of 25.6 using GRCh38-v1.5. Based on available information and the ACMG/AMP guidelines for variant interpretation (PMID: 25741868), this variant is classified as pathogenic.

Labcorp Genetics (formerly Invitae), Labcorp
Classification: Pathogenic. Last evaluated: 2026-01-21. Review status: criteria provided, single submitter. Criteria: Invitae Variant Classification Sherloc (09022015). Collection method: clinical testing. Allele origin: germline.
Comment: This sequence change replaces arginine, which is basic and polar, with histidine, which is basic and polar, at codon 142 of the TGM1 protein (p.Arg142His). This variant is present in population databases (rs121918718, gnomAD 0.008%). This missense change has been observed in individuals with ichthyosis (PMID: 7773290, 19278426). It has also been observed to segregate with disease in related individuals. ClinVar contains an entry for this variant (Variation ID: 12485). Invitae Evidence Modeling of protein sequence and biophysical properties (such as structural, functional, and spatial information, amino acid conservation, physicochemical variation, residue mobility, and thermodynamic stability) indicates that this missense variant is expected to disrupt TGM1 protein function with a positive predictive value of 95%. Experimental studies have shown that this missense change affects TGM1 function (PMID: 9593710, 19212342). This variant disrupts the p.Arg142 amino acid residue in TGM1. Other variant(s) that disrupt this residue have been determined to be pathogenic (PMID: 7824952, 9326318, 20663883, 22258055, 24314425, 26076875). This suggests that this residue is clinically significant, and that variants that disrupt this residue are likely to be disease-causing. For these reasons, this variant has been classified as Pathogenic.

Natera, Inc.
Classification: Pathogenic for Autosomal recessive congenital ichthyosis type 1. Last evaluated: 2025-07-31. Review status: criteria provided, single submitter. Criteria: Natera Variant Classification Schema (03/2026). Collection method: clinical testing. Allele origin: germline.
Comment: The c.425G>A variant in TGM1 is a missense variant predicted to cause substitution of arginine to histidine at amino acid 142. This variant is rare in the general population with a frequency below the threshold expected for the associated phenotype(s). This variant has been observed in one or more individuals affected with the associated recessive disease, as either homozygous or compound heterozygous with a second variant (PMID: 9326318, 16968736, 23096117, 24261627). Additionally, this variant has been observed to segregate in affected family members (PMID: 7773290). Functional studies show that this variant may disrupt protein function (PMID: 19212342). A different variant at the same position has been determined to be Pathogenic or Likely Pathogenic. Computational prediction algorithms indicate this variant is likely to affect gene or protein function. Given the available evidence, this variant is classified as Pathogenic.

Dasa
Classification: Pathogenic. Last evaluated: 2025-04-05. Review status: criteria provided, single submitter. Criteria: DASA Assertion Criteria. Collection method: clinical testing. Allele origin: germline.
Comment: NM_000359.3(TGM1):c.425G>A (p.Arg142His) is a missense variant that results in the substitution of arginine with histidine. The affected residue or protein region has prior evidence supporting clinical relevance. Segregation evidence has been reported in affected families. This variant has been observed in affected individuals with related phenotype in a genotype context consistent with recessive disease (PMID: 7773290; PMID: 19278426; PMID: 31953843; PMID: 18948357; PMID: 9593710). Functional evidence supports a deleterious effect on the gene or gene product (PMID: 7773290; PMID: 19278426; PMID: 31953843; PMID: 18948357; PMID: 9593710). This variant has been recurrently observed in individuals with related phenotype (PMID: 7773290; PMID: 19278426; PMID: 31953843; PMID: 18948357; PMID: 9593710). Multiple computational predictions support a deleterious effect on the gene or gene product. The variant is present at low frequency in population datasets. Based on the available data, this variant is classified as pathogenic.

Clinical Genomics Laboratory, Washington University in St. Louis
Classification: Pathogenic for Autosomal recessive congenital ichthyosis 1. Last evaluated: 2024-07-03. Review status: criteria provided, single submitter. Criteria: ACMG Guidelines, 2015. Collection method: clinical testing. Allele origin: germline. Affected: yes.
Comment: The TGM1 c.425G>A (p.Arg142His) variant has been reported in trans with a pathogenic or likely pathogenic variant or in the homozygous state in multiple individuals affected with lamellar or bathing suit ichthyosis (Borska R et al., PMID: 31046801; Cuperus E et al., PMID: 32534952; Hennies HC et al., PMID: 9545389; Li W et al., PMID: 31631373; Russell LJ et al., PMID: 7773290; Tavian D et al., PMID: 19278426). This variant is only observed on 9 out of 282,794 alleles in the general population (gnomAD v.2.1.1), indicating it is not a common variant. Functional studies show the TGase1 enzyme activity is reduced due to the loss of key ionic and hydrogen bond interactions, indicating that this variant impacts protein function (Candi E et al., PMID: 9593710). Other variants in the same codon, p.Arg142Pro, p.Arg142Cys, p.Arg142Gln, have been reported in affected individuals (Cserhalmi-Friedman PB et al., PMID: 11298529; Huber M et al., PMID: 7824952; ClinVar Variation IDs: 12494, 12483, 2679173). Based on available information and the ACMG/AMP guidelines for variant interpretation (Richards S et al., PMID: 25741868), this variant is classified as pathogenic.

Women's Health and Genetics/Laboratory Corporation of America, LabCorp
Classification: Pathogenic for Lamellar ichthyosis. Last evaluated: 2023-10-18. Review status: criteria provided, single submitter. Criteria: LabCorp Variant Classification Summary - May 2015. Collection method: clinical testing. Allele origin: germline.
Comment: Variant summary: TGM1 c.425G>A (p.Arg142His) results in a non-conservative amino acid change located in the transglutaminase, N-terminal domain (IPR001102) of the encoded protein sequence. Five of five in-silico tools predict a damaging effect of the variant on protein function. The variant allele was found at a frequency of 3.2e-05 in 251442 control chromosomes. c.425G>A has been reported in the literature in multiple individuals affected with Lamellar Ichthyosis and has been found to segregate with the disease phenotype in at least one family (e.g. Russell_1995, Farasat_2009, Cheng_2020). These data indicate that the variant is very likely to be associated with disease. At least one publication reports experimental evidence evaluating an impact on protein function in vitro and found that the variant had 20% activity versus the WT protein in the cytosol and undetectable membrane-bound activity (e.g. Candi_1998). Additionally, another variant affecting the same codon (p.Arg142Cys) has been classified as pathogenic, further supporting that Arg142 is important for protein function. The following publications have been ascertained in the context of this evaluation (PMID: 9593710, 31953843, 18948357, 7773290). Three submitters have cited clinical-significance assessments for this variant to ClinVar after 2014. All submitters classified the variant as pathogenic/likely pathogenic. Based on the evidence outlined above, the variant was classified as pathogenic.

Kariminejad - Najmabadi Pathology & Genetics Center
Classification: Likely pathogenic for Abnormality of the skin. Last evaluated: 2021-07-10. Review status: criteria provided, single submitter. Criteria: ACMG Guidelines, 2015. Collection method: clinical testing. Allele origin: germline. Affected: yes.

Blueprint Genetics
Classification: Pathogenic for TGM1-related disorders. Last evaluated: 2021-06-11. Review status: criteria provided, single submitter. Criteria: ACMG Guidelines, 2015. Collection method: clinical testing. Allele origin: germline. Affected: yes. Observed: 3 variant alleles.

Genome-Nilou Lab
Classification: Likely pathogenic for Autosomal recessive congenital ichthyosis 1. Review status: criteria provided, single submitter. Criteria: ACMG Guidelines, 2015. Collection method: clinical testing. Allele origin: germline.

Counsyl
Classification: Pathogenic for Autosomal recessive congenital ichthyosis 1. Last evaluated: 2017-02-08. Review status: no assertion criteria provided. Collection method: clinical testing. Allele origin: unknown. Not counted in ClinVar's aggregate classification.

OMIM
Classification: Pathogenic for ICHTHYOSIS, CONGENITAL, AUTOSOMAL RECESSIVE 1. Last evaluated: 1997-09-01. Review status: no assertion criteria provided. Collection method: literature only. Allele origin: germline. Not counted in ClinVar's aggregate classification.

Literature cited by the submitters: PubMed 3104680 (cited by Keith Choate Laboratory, Yale University); PubMed 32534952 (cited by Keith Choate Laboratory, Yale University); PubMed 7773290 (cited by 6 submitters); PubMed 19278426 (cited by Labcorp Genetics (formerly Invitae), Labcorp and Dasa); PubMed 9593710 (cited by 3 submitters); PubMed 19212342 (cited by 3 submitters); PubMed 7824952 (cited by Labcorp Genetics (formerly Invitae), Labcorp); PubMed 9326318 (cited by 4 submitters); PubMed 20663883 (cited by Labcorp Genetics (formerly Invitae), Labcorp); PubMed 22258055 (cited by Labcorp Genetics (formerly Invitae), Labcorp); PubMed 24314425 (cited by Labcorp Genetics (formerly Invitae), Labcorp); PubMed 26076875 (cited by Labcorp Genetics (formerly Invitae), Labcorp); PubMed 16968736 (cited by Natera, Inc.); PubMed 23096117 (cited by Natera, Inc.); PubMed 24261627 (cited by Natera, Inc.); PubMed 31953843 (cited by Dasa and Women's Health and Genetics/Laboratory Corporation of America, LabCorp); PubMed 18948357 (cited by 3 submitters); PubMed 27025581 (cited by Counsyl); PubMed 19241467 (cited by Counsyl).

NM_000359.3(TGM1):c.425G>A (p.Arg142His)

Gene: TGM1 (transglutaminase 1; minus strand). Cytogenetic location: 14q12.
Variant type: single nucleotide variant.
Coding change: c.425G>A on transcript NM_000359.3 (MANE Select); coding-DNA position 425, G replaced by A.
Protein change: p.Arg142His; replaces arginine 142 with histidine.
Molecular consequence: missense variant.
Genome position (GRCh38, 1-based): chr14:24,261,778, C>T on the plus strand (G>A on the coding strand, the complement: TGM1 is on the minus strand). VCF-style: chr14-24261778-C-T. GRCh37 (hg19) VCF-style: chr14-24730984-C-T.
Other names: R141H; short protein forms R142H.
Identifiers: ClinVar variation 12485 (VCV000012485.42), dbSNP rs121918718, ClinGen allele CA256463.